The following is an entry in ClinVar:

NM_020708.5(SLC12A5):c.1144G>A (p.Gly382Ser)

Gene: SLC12A5 (solute carrier family 12 member 5; plus strand). Cytogenetic location: 20q13.12.
Variant type: single nucleotide variant.
Coding change: c.1144G>A on transcript NM_020708.5 (MANE Select); coding-DNA position 1144, G replaced by A.
Protein change: p.Gly382Ser; replaces glycine 382 with serine.
Molecular consequence: missense variant.
Genome position (GRCh38, 1-based): chr20:46,043,230, G>A. VCF-style: chr20-46043230-G-A. GRCh37 (hg19) VCF-style: chr20-44671869-G-A.
Other names: c.1213G>A, p.Gly405Ser (NM_001134771.2); short protein forms G382S, G405S.
Identifiers: ClinVar variation 1493245 (VCV001493245.8), dbSNP rs1450320682, ClinGen allele CA409191841.

ClinVar aggregate classification (germline): Uncertain significance (1 of 4 stars; one submission).

Conditions:
Developmental and epileptic encephalopathy, 34 (DEE34). Also called: Early infantile epileptic encephalopathy 34; SLC12A5-Related Epilepsy of Infancy with Migrating Focal Seizures. Identifiers: Orphanet 293181, MedGen C4225257, MONDO:0014718, OMIM 616645.

Allele frequency attached by ClinVar (database versions not stated): TOPMed 0.00003.

Submission:

Labcorp Genetics (formerly Invitae), Labcorp
Classification: Uncertain significance for Developmental and epileptic encephalopathy, 34. Last evaluated: 2024-10-25. Review status: criteria provided, single submitter. Criteria: Invitae Variant Classification Sherloc (09022015). Collection method: clinical testing. Allele origin: germline.
Comment: This sequence change replaces glycine, which is neutral and non-polar, with serine, which is neutral and polar, at codon 382 of the SLC12A5 protein (p.Gly382Ser). This variant is not present in population databases (gnomAD no frequency). This variant has not been reported in the literature in individuals affected with SLC12A5-related conditions. ClinVar contains an entry for this variant (Variation ID: 1493245). Invitae Evidence Modeling of protein sequence and biophysical properties (such as structural, functional, and spatial information, amino acid conservation, physicochemical variation, residue mobility, and thermodynamic stability) indicates that this missense variant is not expected to disrupt SLC12A5 protein function with a negative predictive value of 95%. In summary, the available evidence is currently insufficient to determine the role of this variant in disease. Therefore, it has been classified as a Variant of Uncertain Significance.